The following is an entry in ClinVar:

NM_000350.3(ABCA4):c.6148-89G>A

Gene: ABCA4 (ATP binding cassette subfamily A member 4; minus strand). Cytogenetic location: 1p22.1.
Variant type: single nucleotide variant.
Coding change: c.6148-89G>A on transcript NM_000350.3 (MANE Select); 89 bases into the intron before coding-DNA position 6148, G replaced by A.
Molecular consequence: intron variant.
Genome position (GRCh38, 1-based): chr1:94,002,081, C>T on the plus strand (G>A on the coding strand, the complement: ABCA4 is on the minus strand). VCF-style: chr1-94002081-C-T. GRCh37 (hg19) VCF-style: chr1-94467637-C-T.
Other names: c.5926-89G>A (NM_001425324.1).
Identifiers: ClinVar variation 4984164 (VCV004984164.1).

ClinVar aggregate classification (germline): Likely benign (1 of 4 stars; one submission).

Conditions:
ABCA4-related disorder. Also called: ABCA4-related condition; ABCA4-related disorders. Identifiers: MedGen CN239167.

gnomAD v4.1: 36 of 1,589,912 alleles (0.0023%); highest among the groups gnomAD compares: South Asian, 0.0089%; no homozygotes.

Submission:

PreventionGenetics, part of Exact Sciences
Classification: Likely benign for ABCA4-related condition. Last evaluated: 2026-02-03. Review status: criteria provided, single submitter. Criteria: ACMG Guidelines, 2015. Collection method: clinical testing. Allele origin: germline.
Comment: This variant is classified as likely benign based on ACMG/AMP sequence variant interpretation guidelines (Richards et al. 2015 PMID: 25741868, with internal and published modifications).